The following is an entry in ClinVar:

NM_014694.4(ADAMTSL2):c.683-188G>C

Gene: ADAMTSL2 (ADAMTS like 2; plus strand). Cytogenetic location: 9q34.2.
Variant type: single nucleotide variant.
Coding change: c.683-188G>C on transcript NM_014694.4 (MANE Select); 188 bases into the intron before coding-DNA position 683, G replaced by C.
Molecular consequence: intron variant.
Genome position (GRCh38, 1-based): chr9:133,544,282, G>C. VCF-style: chr9-133544282-G-C. GRCh37 (hg19) VCF-style: chr9-136409404-G-C.
Other names: c.683-188G>C (NM_001145320.2).
Identifiers: ClinVar variation 680466 (VCV000680466.1), dbSNP rs28435854, ClinGen allele CA13021564.

ClinVar aggregate classification (germline): Benign (1 of 4 stars; one submission).

Allele frequency attached by ClinVar (database versions not stated): 1000 Genomes Project 0.37760; 1000 Genomes Project 30x 0.38507; TOPMed 0.49665; gnomAD 0.49855 and 0.51075.
gnomAD v4.1: 75,662 of 151,888 alleles (50%); highest among the groups gnomAD compares: Non-Finnish European, 54%; 19,682 homozygotes.

Submission:

GeneDx
Classification: Benign. Last evaluated: 2018-06-19. Review status: criteria provided, single submitter. Criteria: GeneDx Variant Classification (06012015). Collection method: clinical testing. Allele origin: germline. Affected: yes.
Comment: This variant is considered likely benign or benign based on one or more of the following criteria: it is a conservative change, it occurs at a poorly conserved position in the protein, it is predicted to be benign by multiple in silico algorithms, and/or has population frequency not consistent with disease.